The following is an entry in ClinVar:

NM_004608.4(TBX6):c.1277G>T (p.Gly426Val)

Gene: TBX6 (T-box transcription factor 6; minus strand). Cytogenetic location: 16p11.2.
Variant type: single nucleotide variant.
Coding change: c.1277G>T on transcript NM_004608.4 (MANE Select); coding-DNA position 1277, G replaced by T.
Protein change: p.Gly426Val; replaces glycine 426 with valine.
Molecular consequence: missense variant.
Genome position (GRCh38, 1-based): chr16:30,086,259, C>A on the plus strand (G>T on the coding strand, the complement: TBX6 is on the minus strand). VCF-style: chr16-30086259-C-A. GRCh37 (hg19) VCF-style: chr16-30097580-C-A.
Other names: short protein forms G426V.
Identifiers: ClinVar variation 931091 (VCV000931091.3), dbSNP rs764233509, ClinGen allele CA395512151.

ClinVar aggregate classification (germline): Uncertain significance (1 of 4 stars; one submission).

Conditions:
Spondylocostal dysostosis 5 (SCDO5). Also called: SCOLIOSIS, CONGENITAL, WITH OR WITHOUT RIB ANOMALIES. Identifiers: MedGen C4083048, MONDO:0007389, OMIM 122600.

Submission:

Centre for Mendelian Genomics, University Medical Centre Ljubljana
Classification: Uncertain significance for Spondylocostal dysostosis 5. Last evaluated: 2019-07-10. Review status: criteria provided, single submitter. Criteria: ACMG Guidelines, 2015. Collection method: clinical testing. Allele origin: unknown. Affected: yes.
Comment: This variant was classified as: Uncertain significance. The available evidence on this variant's pathogenicity is insufficient or conflicting. The following ACMG criteria were applied in classifying this variant: PM2.